The following is an entry in ClinVar:

ClinVar aggregate classification (germline): Likely benign (1 of 4 stars; one submission).

Allele frequency attached by ClinVar (database versions not stated): 1000 Genomes Project 30x 0.00297; 1000 Genomes Project 0.00339; gnomAD 0.00506; TOPMed 0.00530; ExAC 0.00581; ESP Exome Variant Server 0.00608; gnomAD exomes 0.00677.

Submission:

CeGaT Center for Human Genetics Tuebingen
Classification: Likely benign. Last evaluated: 2023-02-01. Review status: criteria provided, single submitter. Criteria: CeGaT Center For Human Genetics Tuebingen Variant Classification Criteria Version 2. Collection method: clinical testing. Allele origin: germline. Affected: yes. Observed: 1 variant allele.
Comment: TMEM225: BS2

NM_001013743.3(TMEM225):c.1A>G (p.Met1Val)

Gene: TMEM225 (transmembrane protein 225; minus strand). Cytogenetic location: 11q24.1.
Variant type: single nucleotide variant.
Coding change: c.1A>G on transcript NM_001013743.3 (MANE Select); coding-DNA position 1, A replaced by G.
Protein change: p.Met1Val; changes the start codon (methionine 1).
Molecular consequence: missense variant, initiator codon variant.
Genome position (GRCh38, 1-based): chr11:123,885,425, T>C on the plus strand (A>G on the coding strand, the complement: TMEM225 is on the minus strand). VCF-style: chr11-123885425-T-C. GRCh37 (hg19) VCF-style: chr11-123756132-T-C.
Other names: c.1A>G, p.Met1Val (NM_001363605.2); short protein forms M1V.
Identifiers: ClinVar variation 2642486 (VCV002642486.24), dbSNP rs115828609, ClinGen allele CA6335147.